The following is an entry in ClinVar:

ClinVar aggregate classification (germline): Conflicting classifications of pathogenicity. Review status: criteria provided, conflicting classifications (1 of 4 stars). 6 submissions from 6 submitters: Uncertain significance (1); Likely benign (3). 2 of the submissions do not count toward it. Last evaluated 2026-03-01.

Conditions:
AKT1-related disorder. Also called: AKT1-related condition.
Hereditary cancer. Identifiers: MedGen C1333600.
Cowden syndrome 6 (CWS6). Identifiers: Orphanet 201, MedGen C3554519, MONDO:0014048, OMIM 615109.

Allele frequency attached by ClinVar (database versions not stated): 1000 Genomes Project 30x 0.00016; 1000 Genomes Project 0.00020; ExAC 0.00029; ESP Exome Variant Server 0.00031; gnomAD exomes 0.00033; gnomAD 0.00044 and 0.00045; TOPMed 0.00062.

Submissions (6):

CeGaT Center for Human Genetics Tuebingen
Classification: Likely benign. Last evaluated: 2026-03-01. Review status: criteria provided, single submitter. Criteria: CeGaT Center For Human Genetics Tuebingen Variant Classification Criteria Version 2. Collection method: clinical testing. Allele origin: germline. Affected: yes. Observed: 4 variant alleles.
Comment: AKT1: BP4, BS1

Labcorp Genetics (formerly Invitae), Labcorp
Classification: Likely benign for Cowden syndrome 6. Last evaluated: 2026-01-26. Review status: criteria provided, single submitter. Criteria: Invitae Variant Classification Sherloc (09022015). Collection method: clinical testing. Allele origin: germline.

Mendelics
Classification: Likely benign for Hereditary cancer. Last evaluated: 2024-01-23. Review status: criteria provided, single submitter. Criteria: ACMG Guidelines, 2015. Collection method: clinical testing. Allele origin: unknown.

GeneDx
Classification: Uncertain significance. Last evaluated: 2022-05-05. Review status: criteria provided, single submitter. Criteria: GeneDx Variant Classification Process June 2021. Collection method: clinical testing. Allele origin: germline. Affected: yes.
Comment: In silico analysis supports that this missense variant does not alter protein structure/function; Observed in an individual with familial hypercholesterolemia (Marmontel et al., 2020); This variant is associated with the following publications: (PMID: 33111339, 33916788)

PreventionGenetics, part of Exact Sciences
Classification: Likely benign for AKT1-related condition. Last evaluated: 2022-02-07. Review status: no assertion criteria provided. Collection method: clinical testing. Allele origin: germline. Not counted in ClinVar's aggregate classification.
Comment: This variant is classified as likely benign based on ACMG/AMP sequence variant interpretation guidelines (Richards et al. 2015 PMID: 25741868, with internal and published modifications).

ITMI
No classification provided. Condition: AllHighlyPenetrant. Last evaluated: 2013-09-19. Review status: no classification provided. Collection method: reference population. Allele origin: germline. Not counted in ClinVar's aggregate classification.
Comment: Please see associated publication for description of ethnicities

Literature cited by the submitters: PubMed 24728327 (cited by ITMI).

NM_001382430.1(AKT1):c.138C>A (p.Asp46Glu)

Gene: AKT1 (AKT serine/threonine kinase 1; minus strand). Cytogenetic location: 14q32.33.
Variant type: single nucleotide variant.
Coding change: c.138C>A on transcript NM_001382430.1 (MANE Select); coding-DNA position 138, C replaced by A.
Protein change: p.Asp46Glu; replaces aspartic acid 46 with glutamic acid.
Molecular consequence: missense variant.
Genome position (GRCh38, 1-based): chr14:104,780,125, G>T on the plus strand (C>A on the coding strand, the complement: AKT1 is on the minus strand). VCF-style: chr14-104780125-G-T. GRCh37 (hg19) VCF-style: chr14-105246462-G-T.
Other names: c.138C>A, p.Asp46Glu (NM_001014431.2, NM_001014432.2, NM_001382431.1 and 3 more transcripts); short protein forms D46E.
Identifiers: ClinVar variation 133455 (VCV000133455.35), dbSNP rs146875699, ClinGen allele CA156577.
Genomic context (GRCh38, chr14:104,780,125, plus strand): 5'-CGAGAGGCCAAGGGGATACTTACGCGCCACAGAGAAGTTGTTGAGGGGAGCCTCACGTTG[G>T]TCCACATCCTGCGGCCGCTCCTTGTAGCCAATGAAGGTGCCATCATTCTTGAGGAGGAAG-3'
Protein context (NP_001369359.1, residues 36-56): IGYKERPQDV[Asp46Glu]QREAPLNNFS